The following is an entry in ClinVar:

ClinVar aggregate classification (germline): Uncertain significance (1 of 4 stars; one submission).

Submission:

Women's Health and Genetics/Laboratory Corporation of America, LabCorp
Classification: Uncertain significance. Last evaluated: 2025-07-03. Review status: criteria provided, single submitter. Criteria: LabCorp Variant Classification Summary - May 2015. Collection method: clinical testing. Allele origin: germline.
Comment: Variant summary: GABRG2 c.449C>G (p.Thr150Ser) results in a conservative amino acid change in the encoded protein sequence. Algorithms developed to predict the effect of missense changes on protein structure and function are either unavailable or do not agree on the potential impact of this missense change. The variant was absent in 251036 control chromosomes. The available data on variant occurrences in the general population are insufficient to allow any conclusion about variant significance. To our knowledge, no occurrence of c.449C>G in individuals affected with Developmental And Epileptic Encephalopathy, 74 and no experimental evidence demonstrating its impact on protein function have been reported. No submitters have cited clinical-significance assessments for this variant to ClinVar. Based on the evidence outlined above, the variant was classified as uncertain significance.

NM_198904.4(GABRG2):c.449C>G (p.Thr150Ser)

Gene: GABRG2 (gamma-aminobutyric acid type A receptor subunit gamma2; plus strand). Cytogenetic location: 5q34.
Variant type: single nucleotide variant.
Coding change: c.449C>G on transcript NM_198904.4 (MANE Select); coding-DNA position 449, C replaced by G.
Protein change: p.Thr150Ser; replaces threonine 150 with serine.
Molecular consequence: missense variant.
Genome position (GRCh38, 1-based): chr5:162,097,759, C>G. VCF-style: chr5-162097759-C-G. GRCh37 (hg19) VCF-style: chr5-161524765-C-G.
Other names: c.449C>G, p.Thr150Ser (NM_000816.3, NM_001375340.1, NM_001375341.1 and 4 more transcripts); c.440C>G, p.Thr147Ser (NM_001375339.1); c.383C>G, p.Thr128Ser (NM_001375345.1, NM_001375346.1); c.362C>G, p.Thr121Ser (NM_001375347.1); c.29C>G, p.Thr10Ser (NM_001375348.1, NM_001375350.1); c.164C>G, p.Thr55Ser (NM_001375349.1); short protein forms T10S, T121S, T128S, T147S, T150S, T55S.
Identifiers: ClinVar variation 3911933 (VCV003911933.2).